The following is an entry in ClinVar:

NM_001379200.1(TBX1):c.324G>T (p.Ala108=)

Gene: TBX1 (T-box transcription factor 1; plus strand). Cytogenetic location: 22q11.21.
Variant type: single nucleotide variant.
Coding change: c.324G>T on transcript NM_001379200.1 (MANE Select); coding-DNA position 324, G replaced by T.
Protein change: p.Ala108=; no amino-acid change (alanine 108 retained).
Molecular consequence: synonymous variant.
Genome position (GRCh38, 1-based): chr22:19,761,167, G>T. VCF-style: chr22-19761167-G-T. GRCh37 (hg19) VCF-style: chr22-19748690-G-T.
Other names: c.297G>T, p.Ala99= (NM_005992.1, NM_080646.2, NM_080647.1).
Identifiers: ClinVar variation 1798391 (VCV001798391.7), dbSNP rs72646953, ClinGen allele CA513688262.

ClinVar aggregate classification (germline): Likely benign. Review status: criteria provided, multiple submitters, no conflicts (2 of 4 stars). 3 submissions from 3 submitters: Likely benign (2). 1 of the submissions does not count toward it. Last evaluated 2022-12-31.

Conditions:
TBX1-related disorder. Also called: TBX1-Related Disorders; TBX1-related condition.
Cardiovascular phenotype. Identifiers: MedGen CN230736.
DiGeorge syndrome. Also called: Catch22; THIRD AND FOURTH PHARYNGEAL POUCH SYNDROME. Identifiers: Orphanet 567, MedGen C0012236, MONDO:0008564, OMIM 188400.

gnomAD v4.1: 2 of 1,520,302 alleles (0.00013%); highest among the groups gnomAD compares: African/African-American, 0.0029%; no homozygotes.

Submissions (3):

Labcorp Genetics (formerly Invitae), Labcorp
Classification: Likely benign for DiGeorge syndrome. Last evaluated: 2022-12-31. Review status: criteria provided, single submitter. Criteria: Invitae Variant Classification Sherloc (09022015). Collection method: clinical testing. Allele origin: germline.

Ambry Genetics
Classification: Likely benign for Cardiovascular phenotype. Last evaluated: 2022-05-17. Review status: criteria provided, single submitter. Criteria: Ambry Variant Classification Scheme 2023. Collection method: clinical testing. Allele origin: germline.

PreventionGenetics, part of Exact Sciences
Classification: Likely benign for TBX1-related condition. Last evaluated: 2019-07-09. Review status: no assertion criteria provided. Collection method: clinical testing. Allele origin: germline. Not counted in ClinVar's aggregate classification.
Comment: This variant is classified as likely benign based on ACMG/AMP sequence variant interpretation guidelines (Richards et al. 2015 PMID: 25741868, with internal and published modifications).